The following is an entry in ClinVar:

ClinVar aggregate classification (germline): Uncertain significance (1 of 4 stars; one submission).

Submission:

Clinical Genomics Laboratory, Laboratory for Precision Diagnostics, University of Washington
Classification: Uncertain significance. Last evaluated: 2023-10-18. Review status: criteria provided, single submitter. Criteria: ACMG/ClinGen CNV Guidelines, 2019. Collection method: clinical testing. Allele origin: unknown. Affected: yes. Observed: 1 variant allele.
Comment: This interstitial deletion is 460 Kb and overlaps 10 protein-coding genes including DGCR6 and HIRA; TBX1 is not included in the deletion region. There are four proximal low copy repeats (LCRs) within 22q11, referred as LCR A through LCR D, with LCR A being closest to the centromere. Multiple studies have tried to identify critical regions that may confer risk for specific phenotypes (see references). HIRA is a candidate gene for some of the neurodevelopmental phenotypes observed among individuals with 22q11.2 deletions. With the currently available information, the 22q11.2 deletion in this individual is interpreted as a variant of uncertain significance.

Literature cited by the submitters: PubMed 29090080; PubMed 29361080; PubMed 31174463; PubMed 37176024.

GRCh38/hg38 22q11.21(chr22:18908951-19368447)x1

Genes: CLTCL1 (clathrin heavy chain like 1; minus strand), DGCR11 (DiGeorge syndrome critical region gene 11; minus strand), DGCR2 (DiGeorge syndrome critical region gene 2; minus strand), DGCR5 (DiGeorge syndrome critical region gene 5; plus strand), DGCR6 (DiGeorge syndrome critical region gene 6; plus strand) and 16 more. Cytogenetic location: 22q11.21.
Variant type: copy number loss.
Change: copy number 1 (one copy instead of two) of chr22:18,908,951-19,368,447 (459.5 kb, GRCh38 coordinates, 1-based), cytogenetic band 22q11.21.
Identifiers: ClinVar variation 4890952 (VCV004890952.1).